The following is an entry in ClinVar:

NM_001368809.2(AMPD2):c.-149G>A

Gene: AMPD2 (adenosine monophosphate deaminase 2; plus strand). Cytogenetic location: 1p13.3.
Variant type: single nucleotide variant.
Coding change: c.-149G>A on transcript NM_001368809.2 (MANE Select); 149 bases upstream of the start codon, G replaced by A.
Molecular consequence: 5 prime UTR variant. On other transcripts: intron variant (1).
Genome position (GRCh38, 1-based): chr1:109,621,027, G>A. VCF-style: chr1-109621027-G-A. GRCh37 (hg19) VCF-style: chr1-110163649-G-A.
Other names: c.-81G>A (NM_001308170.1); c.10+749G>A (NM_139156.4).
Identifiers: ClinVar variation 1524824 (VCV001524824.5), dbSNP rs773946980, ClinGen allele CA992578.
Genomic context (GRCh38, chr1:109,621,027, plus strand): 5'-TAAGGGGCAGAGATGGAGGCCCCACTCCCCGAGGTTGCCTAGACAACATGAGAAATCGTG[G>A]CCAGGGCCTCTTCCGCCTGCGGAGCCGCTGCTTCCTGCATCAGTCACTCCCGCTGGGGGC-3'

ClinVar aggregate classification (germline): Uncertain significance (1 of 4 stars; one submission).

Conditions:
Pontocerebellar hypoplasia type 9. Identifiers: Orphanet 369920, MedGen C4014354, MONDO:0014351, OMIM 615809.
Hereditary spastic paraplegia 63. Also called: Spastic paraplegia 63, autosomal recessive. Identifiers: Orphanet 401805, MedGen C3810295, MONDO:0014305, OMIM 615686.

Allele frequency attached by ClinVar (database versions not stated): gnomAD exomes 0.00001 and 0.00003; TOPMed 0.00001; ExAC 0.00003.

Submission:

Labcorp Genetics (formerly Invitae), Labcorp
Classification: Uncertain significance for Pontocerebellar hypoplasia type 9; Hereditary spastic paraplegia 63. Last evaluated: 2024-02-17. Review status: criteria provided, single submitter. Criteria: Invitae Variant Classification Sherloc (09022015). Collection method: clinical testing. Allele origin: germline.
Comment: This sequence change replaces glycine, which is neutral and non-polar, with aspartic acid, which is acidic and polar, at codon 5 of the AMPD2 protein (p.Gly5Asp). This variant is present in population databases (rs773946980, gnomAD 0.01%). This variant has not been reported in the literature in individuals affected with AMPD2-related conditions. ClinVar contains an entry for this variant (Variation ID: 1524824). An algorithm developed to predict the effect of missense changes on protein structure and function (PolyPhen-2) suggests that this variant is likely to be disruptive. In summary, the available evidence is currently insufficient to determine the role of this variant in disease. Therefore, it has been classified as a Variant of Uncertain Significance.